The following is an entry in ClinVar:

ClinVar aggregate classification (germline): Uncertain significance (1 of 4 stars; one submission).

Conditions:
Arrhythmogenic right ventricular dysplasia 5. Also called: Arrhythmogenic Right Ventricular Dysplasia/Cardiomyopathy 5; ARRHYTHMOGENIC RIGHT VENTRICULAR DYSPLASIA, FAMILIAL, 5. Identifiers: MedGen C1858379, MONDO:0011459, OMIM 604400.

Submission:

Labcorp Genetics (formerly Invitae), Labcorp
Classification: Uncertain significance for Arrhythmogenic right ventricular dysplasia 5. Last evaluated: 2022-02-09. Review status: criteria provided, single submitter. Criteria: Invitae Variant Classification Sherloc (09022015). Collection method: clinical testing. Allele origin: germline.
Comment: In summary, the available evidence is currently insufficient to determine the role of this variant in disease. Therefore, it has been classified as a Variant of Uncertain Significance. Algorithms developed to predict the effect of missense changes on protein structure and function are either unavailable or do not agree on the potential impact of this missense change (SIFT: "Tolerated"; PolyPhen-2: "Possibly Damaging"; Align-GVGD: "Class C0"). This variant has not been reported in the literature in individuals affected with TMEM43-related conditions. This variant is not present in population databases (gnomAD no frequency). This sequence change replaces glutamic acid, which is acidic and polar, with alanine, which is neutral and non-polar, at codon 132 of the TMEM43 protein (p.Glu132Ala).

NM_024334.3(TMEM43):c.395A>C (p.Glu132Ala)

Gene: TMEM43 (transmembrane protein 43; plus strand). Cytogenetic location: 3p25.1.
Variant type: single nucleotide variant.
Coding change: c.395A>C on transcript NM_024334.3 (MANE Select); coding-DNA position 395, A replaced by C.
Protein change: p.Glu132Ala; replaces glutamic acid 132 with alanine.
Molecular consequence: missense variant.
Genome position (GRCh38, 1-based): chr3:14,132,548, A>C. VCF-style: chr3-14132548-A-C. GRCh37 (hg19) VCF-style: chr3-14174048-A-C.
Other names: c.395A>C, p.Glu132Ala (NM_001407274.1, NM_001407275.1, NM_001407276.1 and 2 more transcripts); c.380A>C, p.Glu127Ala (NM_001407278.1); c.245A>C, p.Glu82Ala (NM_001407280.1); short protein forms E127A, E132A, E82A.
Identifiers: ClinVar variation 2164465 (VCV002164465.4), dbSNP rs976880930, ClinGen allele CA69729837.
Genomic context (GRCh38, chr3:14,132,548, plus strand): 5'-GATTAGACTGCCTGGGGCGACGAGGCTAACCCCCGTGGCTGCTTTGCTTTCCCTGCAGGG[A>C]GTACACCGAGGATGGGCAGGTGAAGAAGGAGACGAGGTATTCCTACAGTGAGTGCTGGGC-3'
Protein context (NP_077310.1, residues 122-142): YQWVETEESR[Glu132Ala]YTEDGQVKKE